The following is an entry in ClinVar:

ClinVar aggregate classification (germline): Uncertain significance (1 of 4 stars; one submission).

Submission:

Ambry Genetics
Classification: Uncertain significance. Last evaluated: 2026-04-20. Review status: criteria provided, single submitter. Criteria: Ambry Variant Classification Scheme 2023. Collection method: clinical testing. Allele origin: germline.
Comment: The p.E284A variant (also known as c.851A>C), located in coding exon 7 of the RAD51B gene, results from an A to C substitution at nucleotide position 851. The glutamic acid at codon 284 is replaced by alanine, an amino acid with dissimilar properties. This amino acid position is conserved. In addition, this alteration is predicted to be tolerated by in silico analysis. Based on the available evidence, the clinical significance of this variant remains unclear.

NM_133510.4(RAD51B):c.851A>C (p.Glu284Ala)

Gene: RAD51B (RAD51 paralog B; plus strand). Cytogenetic location: 14q24.1.
Variant type: single nucleotide variant.
Coding change: c.851A>C on transcript NM_133510.4 (MANE Select); coding-DNA position 851, A replaced by C.
Protein change: p.Glu284Ala; replaces glutamic acid 284 with alanine.
Molecular consequence: missense variant.
Genome position (GRCh38, 1-based): chr14:68,291,978, A>C. VCF-style: chr14-68291978-A-C. GRCh37 (hg19) VCF-style: chr14-68758695-A-C.
Other names: c.851A>C, p.Glu284Ala (NM_001321809.2, NM_001321810.2, NM_001321812.1 and 6 more transcripts); c.737A>C, p.Glu246Ala (NM_001321815.1); c.494A>C, p.Glu165Ala (NM_001321817.2); short protein forms E165A, E246A, E284A.
Identifiers: ClinVar variation 4862893 (VCV004862893.1).
Genomic context (GRCh38, chr14:68,291,978, plus strand): 5'-GTGGAGCCCTGGCTTCTCAGGCAGACCTGGTGTCTCCAGCTGATGATTTGTCCCTGTCTG[A>C]AGGTAAGGAATCTGTCCTGGAGAGGCTGAAACTTGACACTGACATAGAGCCCCACTGCCT-3'
Protein context (NP_598194.1, residues 274-294): VSPADDLSLS[Glu284Ala]GTSGSSCVIA